The following is an entry in ClinVar:

ClinVar aggregate classification (germline): Uncertain significance (1 of 4 stars; one submission).

Conditions:
Dilated cardiomyopathy 1KK (CMD1KK). Identifiers: Orphanet 154, Orphanet 75249, MedGen C3714995, MONDO:0014100, OMIM 615248.

Allele frequency attached by ClinVar (database versions not stated): gnomAD 0.00001; gnomAD exomes 0.00001; TOPMed 0.00001; ExAC 0.00003.
gnomAD v4.1: 2 of 1,613,366 alleles (0.00012%); highest among the groups gnomAD compares: Non-Finnish European, 0.00017%; no homozygotes.

Submission:

Labcorp Genetics (formerly Invitae), Labcorp
Classification: Uncertain significance for Dilated cardiomyopathy 1KK. Last evaluated: 2017-02-27. Review status: criteria provided, single submitter. Criteria: Invitae Variant Classification Sherloc (09022015). Collection method: clinical testing. Allele origin: germline.
Comment: Algorithms developed to predict the effect of missense changes on protein structure and function do not agree on the potential impact of this missense change (SIFT: "Tolerated"; PolyPhen-2: "Probably Damaging"; Align-GVGD: "Class C0"). This sequence change replaces glutamine with arginine at codon 1025 of the MYPN protein (p.Gln1025Arg). The glutamine residue is highly conserved and there is a small physicochemical difference between glutamine and arginine. This variant is present in population databases (rs759171149, ExAC 0.005%) but has not been reported in the literature in individuals with a MYPN-related disease. Algorithms developed to predict the effect of sequence changes on RNA splicing suggest that this variant may alter RNA splicing, but this prediction has not been confirmed by published transcriptional studies. In summary, this variant is a rare missense change with uncertain impact on protein function. There is no indication that it causes disease, but the available evidence is currently insufficient to prove that conclusively. Therefore, it has been classified as a Variant of Uncertain Significance.

NM_032578.4(MYPN):c.3074A>G (p.Gln1025Arg)

Genes: MYPN (myopalladin; plus strand), LOC132089829 (Neanderthal introgressed variant-containing enhancer experimental_16132; plus strand). Cytogenetic location: 10q21.3.
Variant type: single nucleotide variant.
Coding change: c.3074A>G on transcript NM_032578.4 (MANE Select); coding-DNA position 3074, A replaced by G.
Protein change: p.Gln1025Arg; replaces glutamine 1025 with arginine.
Molecular consequence: missense variant. On other transcripts: non-coding transcript variant (2).
Genome position (GRCh38, 1-based): chr10:68,194,511, A>G. VCF-style: chr10-68194511-A-G. GRCh37 (hg19) VCF-style: chr10-69954268-A-G.
Other names: c.3074A>G, p.Gln1025Arg (NM_001256267.2); c.2192A>G, p.Gln731Arg (NM_001256268.2); short protein forms Q1025R, Q731R.
Identifiers: ClinVar variation 477755 (VCV000477755.9), dbSNP rs759171149, ClinGen allele CA5522930.